The following is an entry in ClinVar:

NM_015459.5(ATL3):c.31G>T (p.Ala11Ser)

Gene: ATL3 (atlastin GTPase 3; minus strand). Cytogenetic location: 11q13.1.
Variant type: single nucleotide variant.
Coding change: c.31G>T on transcript NM_015459.5 (MANE Select); coding-DNA position 31, G replaced by T.
Protein change: p.Ala11Ser; replaces alanine 11 with serine.
Molecular consequence: missense variant. On other transcripts: intron variant (1).
Genome position (GRCh38, 1-based): chr11:63,671,305, C>A on the plus strand (G>T on the coding strand, the complement: ATL3 is on the minus strand). VCF-style: chr11-63671305-C-A. GRCh37 (hg19) VCF-style: chr11-63438777-C-A.
Other names: c.-9+331G>T (NM_001290048.2); short protein forms A11S.
Identifiers: ClinVar variation 701888 (VCV000701888.14), dbSNP rs201870874, ClinGen allele CA6063908.

ClinVar aggregate classification (germline): Benign/Likely benign. Review status: criteria provided, multiple submitters, no conflicts (2 of 4 stars). 4 submissions from 4 submitters: Benign (3); Likely benign (1). Last evaluated 2026-06-24.

Conditions:
ATL3-related disorder. Also called: ATL3-related condition.
Neuropathy, hereditary sensory, type 1F. Also called: HSN IF; Hereditary sensory neuropathy type IF. Identifiers: Orphanet 36386, MedGen C3810194, MONDO:0014286, OMIM 615632.

Allele frequency attached by ClinVar (database versions not stated): gnomAD 0.00008 and 0.00009; TOPMed 0.00028; gnomAD exomes 0.00067; ExAC 0.00112.
gnomAD v4.1: 177 of 1,587,472 alleles (0.011%); highest among the groups gnomAD compares: Admixed American, 0.3%; 1 homozygote.

Submissions (4):

PreventionGenetics, part of Exact Sciences
Classification: Likely benign for ATL3-related condition. Last evaluated: 2026-06-24. Review status: criteria provided, single submitter. Criteria: ACMG Guidelines, 2015. Collection method: clinical testing. Allele origin: germline.
Comment: This variant is classified as likely benign based on ACMG/AMP sequence variant interpretation guidelines (Richards et al. 2015 PMID: 25741868, with internal and published modifications).

Labcorp Genetics (formerly Invitae), Labcorp
Classification: Benign for Neuropathy, hereditary sensory, type 1F. Last evaluated: 2025-04-10. Review status: criteria provided, single submitter. Criteria: Invitae Variant Classification Sherloc (09022015). Collection method: clinical testing. Allele origin: germline.

Genome-Nilou Lab
Classification: Benign for Neuropathy, hereditary sensory, type 1F. Last evaluated: 2021-12-05. Review status: criteria provided, single submitter. Criteria: ACMG Guidelines, 2015. Collection method: clinical testing. Allele origin: germline. Affected: no.

GeneDx
Classification: Benign. Last evaluated: 2021-06-21. Review status: criteria provided, single submitter. Criteria: GeneDx Variant Classification Process June 2021. Collection method: clinical testing. Allele origin: germline. Affected: yes.
Comment: This variant is associated with the following publications: (PMID: 27535533)